The following is an entry in ClinVar:

NM_153460.4(IL17RC):c.975A>C (p.Glu325Asp)

Gene: IL17RC (interleukin 17 receptor C; plus strand). Cytogenetic location: 3p25.3.
Variant type: single nucleotide variant.
Coding change: c.975A>C on transcript NM_153460.4 (MANE Select); coding-DNA position 975, A replaced by C.
Protein change: p.Glu325Asp; replaces glutamic acid 325 with aspartic acid.
Molecular consequence: missense variant. On other transcripts: non-coding transcript variant (1).
Genome position (GRCh38, 1-based): chr3:9,928,402, A>C. VCF-style: chr3-9928402-A-C. GRCh37 (hg19) VCF-style: chr3-9970086-A-C.
Other names: c.975A>C, p.Glu325Asp (NM_001203263.2, NM_001203264.2); c.930A>C, p.Glu310Asp (NM_001203265.2, NM_001367280.1, NM_001410711.1 and 1 more transcripts); c.936A>C, p.Glu312Asp (NM_001367278.1); c.855A>C, p.Glu285Asp (NM_001367279.1); c.1188A>C, p.Glu396Asp (NM_153461.4); short protein forms E285D, E310D, E325D, E312D, E396D.
Identifiers: ClinVar variation 2756805 (VCV002756805.3), dbSNP rs2470308618, ClinGen allele CA351761768.

ClinVar aggregate classification (germline): Uncertain significance (1 of 4 stars; one submission).

Conditions:
Candidiasis, familial, 9 (CANDF9). Identifiers: Orphanet 1334, MedGen C4225324, MONDO:0014642, OMIM 616445.

Submission:

Labcorp Genetics (formerly Invitae), Labcorp
Classification: Uncertain significance for Candidiasis, familial, 9. Last evaluated: 2023-08-30. Review status: criteria provided, single submitter. Criteria: Invitae Variant Classification Sherloc (09022015). Collection method: clinical testing. Allele origin: germline.
Comment: In summary, the available evidence is currently insufficient to determine the role of this variant in disease. Therefore, it has been classified as a Variant of Uncertain Significance. An algorithm developed to predict the effect of missense changes on protein structure and function (PolyPhen-2) suggests that this variant is likely to be tolerated. This variant has not been reported in the literature in individuals affected with IL17RC-related conditions. This variant is not present in population databases (gnomAD no frequency). This sequence change replaces glutamic acid, which is acidic and polar, with aspartic acid, which is acidic and polar, at codon 396 of the IL17RC protein (p.Glu396Asp).